The following is an entry in ClinVar:

NM_001357.5(DHX9):c.611G>A (p.Gly204Asp)

Gene: DHX9 (DExH-box helicase 9; plus strand). Cytogenetic location: 1q25.3.
Variant type: single nucleotide variant.
Coding change: c.611G>A on transcript NM_001357.5 (MANE Select); coding-DNA position 611, G replaced by A.
Protein change: p.Gly204Asp; replaces glycine 204 with aspartic acid.
Molecular consequence: missense variant. On other transcripts: non-coding transcript variant (1).
Genome position (GRCh38, 1-based): chr1:182,854,163, G>A. VCF-style: chr1-182854163-G-A. GRCh37 (hg19) VCF-style: chr1-182823298-G-A.
Other names: short protein forms G204D.
Identifiers: ClinVar variation 3373141 (VCV003373141.1).

ClinVar aggregate classification (germline): Uncertain significance (1 of 4 stars; one submission).

Submission:

GeneDx
Classification: Uncertain significance. Last evaluated: 2024-04-25. Review status: criteria provided, single submitter. Criteria: GeneDx Variant Classification Process June 2021. Collection method: clinical testing. Allele origin: germline. Affected: yes.
Comment: Not observed at significant frequency in large population cohorts (gnomAD); In silico analysis supports that this missense variant has a deleterious effect on protein structure/function; Has not been previously published as pathogenic or benign to our knowledge